The following is an entry in ClinVar:

NM_001953.5(TYMP):c.245dup (p.Met83fs)

Genes: TYMP (thymidine phosphorylase; minus strand), LOC130067864 (ATAC-STARR-seq lymphoblastoid active region 19325; plus strand). Cytogenetic location: 22q13.33.
Variant type: Duplication.
Coding change: c.245dup on transcript NM_001953.5 (MANE Select); coding-DNA position 245, one base duplicated (G; older notation c.245dupG).
Protein change: p.Met83fs; shifts the reading frame from methionine 83.
Molecular consequence: frameshift variant.
Genome position (GRCh38, 1-based): chr22:50,529,308, C duplicated on the plus strand (G on the coding strand, the reverse complement: TYMP is on the minus strand); the first of 4 consecutive C bases (chr22:50,529,308-50,529,311); duplicating any one gives the same sequence. VCF-style (leftmost placement, unchanged base first): chr22-50529307-G-GC. GRCh37 (hg19) VCF-style: chr22-50967736-G-GC.
Other names: c.245dup, p.Met83fs (NM_001113755.3, NM_001113756.3, NM_001257988.1 and 1 more transcripts); short protein forms M83fs.
Identifiers: ClinVar variation 2025144 (VCV002025144.4), dbSNP rs2522547504, ClinGen allele CA2580100034.
Genomic context (GRCh38, chr22:50,529,307, plus strand): 5'-CAGCTGCTGTCCCGACTGAGCCAGGGCCTGGGTCAGCACCGAGGTCTCCTCCAGATCCAT[G>GC]CCCCGAAGTCGGATGGCCATCAGCATGGCCCCTGGTATGTGGGGGTACGCGTGAGGGTGG-3'

ClinVar aggregate classification (germline): Pathogenic (1 of 4 stars; one submission).

Submission:

Labcorp Genetics (formerly Invitae), Labcorp
Classification: Pathogenic. Last evaluated: 2022-08-20. Review status: criteria provided, single submitter. Criteria: Invitae Variant Classification Sherloc (09022015). Collection method: clinical testing. Allele origin: germline.
Comment: This sequence change creates a premature translational stop signal (p.Met83Hisfs*41) in the TYMP gene. It is expected to result in an absent or disrupted protein product. Loss-of-function variants in TYMP are known to be pathogenic (PMID: 9924029, 15781193). This variant is not present in population databases (gnomAD no frequency). This variant has not been reported in the literature in individuals affected with TYMP-related conditions. Algorithms developed to predict the effect of sequence changes on RNA splicing suggest that this variant may disrupt the consensus splice site. For these reasons, this variant has been classified as Pathogenic.

Literature cited by the submitters: PubMed 9924029; PubMed 15781193.